The following is an entry in ClinVar:

NM_000535.7(PMS2):c.354-3C>G

Gene: PMS2 (PMS1 homolog 2, mismatch repair system component; minus strand). Cytogenetic location: 7p22.1.
Variant type: single nucleotide variant.
Coding change: c.354-3C>G on transcript NM_000535.7 (MANE Select); 3 bases into the intron before coding-DNA position 354, C replaced by G.
Molecular consequence: intron variant. On other transcripts: missense variant (1).
Genome position (GRCh38, 1-based): chr7:6,002,639, G>C on the plus strand (C>G on the coding strand, the complement: PMS2 is on the minus strand). VCF-style: chr7-6002639-G-C. GRCh37 (hg19) VCF-style: chr7-6042270-G-C.
Other names: c.42C>G, p.His14Gln (NM_001322015.2); c.36-3C>G (NM_001322008.2, NM_001322007.2); c.-52-3C>G (NM_001322010.2, NM_001322004.2, NM_001322013.2 and 3 more transcripts); c.-531-3C>G (NM_001322012.2, NM_001322011.2); c.354-3C>G (NM_001322006.2, NM_001322014.2); short protein forms H14Q.
Identifiers: ClinVar variation 1449437 (VCV001449437.8), dbSNP rs587782632, ClinGen allele CA2573141975.

ClinVar aggregate classification (germline): Uncertain significance. Review status: criteria provided, multiple submitters, no conflicts (2 of 4 stars). 2 submissions from 2 submitters: Uncertain significance (2). Last evaluated 2022-04-05.

Conditions:
Hereditary nonpolyposis colorectal neoplasms. Identifiers: MedGen C0009405, MeSH D003123.
Hereditary cancer-predisposing syndrome. Also called: Hereditary Cancer Syndrome; Hereditary neoplastic syndrome; Neoplastic Syndromes, Hereditary; Tumor predisposition. Identifiers: Orphanet 140162, MedGen C0027672, MeSH D009386, MONDO:0015356.

Submissions (2):

Ambry Genetics
Classification: Uncertain significance for Hereditary cancer-predisposing syndrome. Last evaluated: 2022-04-05. Review status: criteria provided, single submitter. Criteria: Ambry Variant Classification Scheme 2023. Collection method: clinical testing. Allele origin: germline.
Comment: The c.354-3C>G intronic variant results from a C to G substitution 3 nucleotides upstream from coding exon 5 in the PMS2 gene. This nucleotide position is well conserved in available vertebrate species. In silico splice site analysis predicts that this alteration will weaken the native splice acceptor site and will result in the creation or strengthening of a novel splice acceptor site; however, direct evidence is insufficient at this time (Ambry internal data). Since supporting evidence is limited at this time, the clinical significance of this alteration remains unclear.

Labcorp Genetics (formerly Invitae), Labcorp
Classification: Uncertain significance for Hereditary nonpolyposis colorectal neoplasms. Last evaluated: 2022-01-18. Review status: criteria provided, single submitter. Criteria: Invitae Variant Classification Sherloc (09022015). Collection method: clinical testing. Allele origin: germline.
Comment: This sequence change falls in intron 4 of the PMS2 gene. It does not directly change the encoded amino acid sequence of the PMS2 protein. RNA analysis indicates that this variant induces altered splicing and may result in an absent or disrupted protein product. This variant is not present in population databases (gnomAD no frequency). This variant has been observed in individual(s) with Lynch syndrome (Invitae). Variants that disrupt the consensus splice site are a relatively common cause of aberrant splicing (PMID: 17576681, 9536098). Studies have shown that this variant results in activation of a cryptic splice site and introduces a premature termination codon (Invitae). The resulting mRNA is expected to undergo nonsense-mediated decay. In summary, the available evidence is currently insufficient to determine the role of this variant in disease. Therefore, it has been classified as a Variant of Uncertain Significance.

Literature cited by the submitters: PubMed 17576681 (cited by Labcorp Genetics (formerly Invitae), Labcorp); PubMed 9536098 (cited by Labcorp Genetics (formerly Invitae), Labcorp).